The following is an entry in ClinVar:

NM_002317.7(LOX):c.732_735del (p.Cys244fs)

Genes: LOX (lysyl oxidase; minus strand), SRFBP1 (serum response factor binding protein 1; plus strand). Cytogenetic location: 5q23.1.
Variant type: Deletion.
Coding change: c.732_735del on transcript NM_002317.7 (MANE Select); coding-DNA positions 732 to 735, 4 bases deleted (TCTG; older notation c.732_735delTCTG).
Protein change: p.Cys244fs; shifts the reading frame from cysteine 244.
Molecular consequence: frameshift variant. On other transcripts: intron variant (1).
Genome position (GRCh38, 1-based): chr5:122,076,898-122,076,901, CAGA deleted on the plus strand (TCTG on the coding strand, the reverse complement: LOX is on the minus strand); deleting any 4 consecutive bases within chr5:122,076,898-122,076,904 gives the same sequence; the c. name uses the placement nearest the transcript's 3' end. VCF-style (leftmost placement, unchanged base first): chr5-122076897-CCAGA-C. GRCh37 (hg19) VCF-style: chr5-121412592-CCAGA-C.
Other names: c.42_45del, p.Cys14fs (NM_001178102.2); c.732_735delTCTG (NM_002317.6, NM_002317.7); c.-152+191_-152+194del (NM_001317073.1); short protein forms C14fs, C244fs.
Identifiers: ClinVar variation 1339852 (VCV001339852.44), dbSNP rs779512296, ClinGen allele CA3383963.

ClinVar aggregate classification (germline): Conflicting classifications of pathogenicity. Review status: criteria provided, conflicting classifications (1 of 4 stars). 7 submissions from 7 submitters: Pathogenic (5); Likely pathogenic (1); Uncertain significance (1). Last evaluated 2026-01-25.

Conditions:
Aortic aneurysm, familial thoracic 10 (AAT10). Identifiers: MedGen C4284414, MONDO:0014950, OMIM 617168.
Cardiovascular phenotype. Identifiers: MedGen CN230736.
LOX-related disorder. Also called: LOX-related disorders; LOX-related condition.

Submissions (7):

Labcorp Genetics (formerly Invitae), Labcorp
Classification: Pathogenic. Last evaluated: 2026-01-25. Review status: criteria provided, single submitter. Criteria: Invitae Variant Classification Sherloc (09022015). Collection method: clinical testing. Allele origin: germline.
Comment: This sequence change creates a premature translational stop signal (p.Cys244Trpfs*25) in the LOX gene. It is expected to result in an absent or disrupted protein product. Loss-of-function variants in LOX are known to be pathogenic (PMID: 12417550, 26838787, 27432961). This variant is present in population databases (rs779512296, gnomAD 0.003%). This variant has not been reported in the literature in individuals affected with LOX-related conditions. ClinVar contains an entry for this variant (Variation ID: 1339852). For these reasons, this variant has been classified as Pathogenic.

GeneDx
Classification: Pathogenic. Last evaluated: 2025-10-02. Review status: criteria provided, single submitter. Criteria: GeneDx Variant Classification Process June 2021. Collection method: clinical testing. Allele origin: germline. Affected: yes.
Comment: Not observed at significant frequency in large population cohorts (gnomAD); Frameshift variant predicted to result in protein truncation or nonsense mediated decay in a gene for which loss of function is a known mechanism of disease; This variant is associated with the following publications: (PMID: 33648514, 31211624)

PreventionGenetics, part of Exact Sciences
Classification: Likely pathogenic for LOX-related condition. Last evaluated: 2025-07-30. Review status: criteria provided, single submitter. Criteria: ACMG Guidelines, 2015. Collection method: clinical testing. Allele origin: germline.
Comment: The LOX c.732_735delTCTG variant is predicted to result in a frameshift and premature protein termination (p.Cys244Trpfs*25). This variant has been reported in an individual with a type A aortic dissection who had a family history of the disorder (Wolford et al. 2019. PubMed ID: 31211624; also reported in Beil A et al. 2021. PubMed ID: 33648514). This variant is reported in 0.0029% of alleles in individuals of Latino descent in gnomAD. Frameshift variants in LOX are expected to be pathogenic. This variant is interpreted as likely pathogenic.

Ambry Genetics
Classification: Pathogenic for Cardiovascular phenotype. Last evaluated: 2025-05-20. Review status: criteria provided, single submitter. Criteria: Ambry Variant Classification Scheme 2023. Collection method: clinical testing. Allele origin: germline.
Comment: The c.732_735delTCTG pathogenic mutation, located in coding exon 2 of the LOX gene, results from a deletion of 4 nucleotides at nucleotide positions 732 to 735, causing a translational frameshift with a predicted alternate stop codon (p.C244Wfs*25). This variant was reported in individual(s) with features consistent with LOX-related thoracic aortic aneurysm and dissection (Wolford BN et al. Circ Genom Precis Med, 2019 Jun;12:e002476; Beil A et al. BMC Med Genomics, 2021 03;14:66). This alteration is expected to result in loss of function by premature protein truncation or nonsense-mediated mRNA decay. As such, this alteration is interpreted as a disease-causing mutation.

Blueprint Genetics
Classification: Uncertain significance. Last evaluated: 2023-10-05. Review status: criteria provided, single submitter. Criteria: ACMG Guidelines, 2015. Collection method: clinical testing. Allele origin: germline.

CeGaT Center for Human Genetics Tuebingen
Classification: Pathogenic. Last evaluated: 2023-03-01. Review status: criteria provided, single submitter. Criteria: CeGaT Center For Human Genetics Tuebingen Variant Classification Criteria Version 2. Collection method: clinical testing. Allele origin: germline. Affected: yes. Observed: 1 variant allele.
Comment: LOX: PVS1, PM2

Juno Genomics, Hangzhou Juno Genomics, Inc
Classification: Pathogenic for Aortic aneurysm, familial thoracic 10. Review status: criteria provided, single submitter. Criteria: ACMG Guidelines, 2015. Collection method: clinical testing. Allele origin: germline.
Comment: Null variant in a gene where loss of function (LOF) is a known mechanism of disease.;Absent from controls (or at extremely low frequency if recessive) in Genome Aggregation Database.;Patient's phenotype or family history is highly specific for a disease with a single genetic etiology.

Literature cited by the submitters: PubMed 12417550 (cited by Labcorp Genetics (formerly Invitae), Labcorp); PubMed 26838787 (cited by Labcorp Genetics (formerly Invitae), Labcorp); PubMed 27432961 (cited by Labcorp Genetics (formerly Invitae), Labcorp); PubMed 31211624 (cited by Ambry Genetics); PubMed 31506931 (cited by Ambry Genetics); PubMed 33648514 (cited by Ambry Genetics).